The following is an entry in ClinVar:

NM_004519.4(KCNQ3):c.2104G>C (p.Val702Leu)

Gene: KCNQ3 (potassium voltage-gated channel subfamily Q member 3; minus strand). Cytogenetic location: 8q24.22.
Variant type: single nucleotide variant.
Coding change: c.2104G>C on transcript NM_004519.4 (MANE Select); coding-DNA position 2104, G replaced by C.
Protein change: p.Val702Leu; replaces valine 702 with leucine.
Molecular consequence: missense variant.
Genome position (GRCh38, 1-based): chr8:132,129,777, C>G on the plus strand (G>C on the coding strand, the complement: KCNQ3 is on the minus strand). VCF-style: chr8-132129777-C-G. GRCh37 (hg19) VCF-style: chr8-133142024-C-G.
Other names: c.2104G>C (NM_004519.3); c.1744G>C, p.Val582Leu (NM_001204824.2); short protein forms V702L, V582L.
Identifiers: ClinVar variation 2702122 (VCV002702122.4), dbSNP rs1824803602, ClinGen allele CA372216934.

ClinVar aggregate classification (germline): Uncertain significance. Review status: criteria provided, multiple submitters, no conflicts (2 of 4 stars). 2 submissions from 2 submitters: Uncertain significance (2). Last evaluated 2024-03-07.

Conditions:
Benign neonatal seizures. Also called: Benign familial neonatal seizures; Convulsions benign familial neonatal dominant form; Autosomal dominant form of benign neonatal seizures; Benign familial neonatal epilepsy; Benign neonatal familial convulsions. Identifiers: Orphanet 1949, MedGen C0220669, MONDO:0016027.

Allele frequency attached by ClinVar (database versions not stated): gnomAD exomes below 0.00001; TOPMed below 0.00001.
gnomAD v4.1: 1 of 1,614,158 alleles (0.000062%); highest among the groups gnomAD compares: Non-Finnish European, 0.000085%; no homozygotes.

Submissions (2):

GeneDx
Classification: Uncertain significance. Last evaluated: 2024-03-07. Review status: criteria provided, single submitter. Criteria: GeneDx Variant Classification Process June 2021. Collection method: clinical testing. Allele origin: germline. Affected: yes.
Comment: Not observed at significant frequency in large population cohorts (gnomAD); In silico analysis supports that this missense variant does not alter protein structure/function; Has not been previously published as pathogenic or benign to our knowledge

Labcorp Genetics (formerly Invitae), Labcorp
Classification: Uncertain significance for Benign neonatal seizures. Last evaluated: 2023-12-06. Review status: criteria provided, single submitter. Criteria: Invitae Variant Classification Sherloc (09022015). Collection method: clinical testing. Allele origin: germline.
Comment: This sequence change replaces valine, which is neutral and non-polar, with leucine, which is neutral and non-polar, at codon 702 of the KCNQ3 protein (p.Val702Leu). This variant is not present in population databases (gnomAD no frequency). This variant has not been reported in the literature in individuals affected with KCNQ3-related conditions. Advanced modeling of protein sequence and biophysical properties (such as structural, functional, and spatial information, amino acid conservation, physicochemical variation, residue mobility, and thermodynamic stability) performed at Invitae indicates that this missense variant is not expected to disrupt KCNQ3 protein function with a negative predictive value of 95%. In summary, the available evidence is currently insufficient to determine the role of this variant in disease. Therefore, it has been classified as a Variant of Uncertain Significance.